The following is an entry in ClinVar:

ClinVar aggregate classification (germline): Uncertain significance (1 of 4 stars; one submission).

Submission:

Ambry Genetics
Classification: Uncertain significance. Last evaluated: 2022-03-01. Review status: criteria provided, single submitter. Criteria: Ambry Variant Classification Scheme 2023. Collection method: clinical testing. Allele origin: germline.
Comment: The p.D612H variant (also known as c.1834G>C), located in coding exon 18 of the KIF1B gene, results from a G to C substitution at nucleotide position 1834. The aspartic acid at codon 612 is replaced by histidine, an amino acid with similar properties. This amino acid position is conserved. In addition, this alteration is predicted to be deleterious by in silico analysis. Since supporting evidence is limited at this time, the clinical significance of this alteration remains unclear.

NM_001365951.3(KIF1B):c.1972G>C (p.Asp658His)

Gene: KIF1B (kinesin family member 1B; plus strand). Cytogenetic location: 1p36.22.
Variant type: single nucleotide variant.
Coding change: c.1972G>C on transcript NM_001365951.3 (MANE Select); coding-DNA position 1972, G replaced by C.
Protein change: p.Asp658His; replaces aspartic acid 658 with histidine.
Molecular consequence: missense variant.
Genome position (GRCh38, 1-based): chr1:10,297,007, G>C. VCF-style: chr1-10297007-G-C. GRCh37 (hg19) VCF-style: chr1-10357065-G-C.
Other names: c.1972G>C, p.Asp658His (NM_001365952.1); c.1834G>C, p.Asp612His (NM_001365953.1, NM_015074.3, NM_183416.4); short protein forms D612H, D658H.
Identifiers: ClinVar variation 1781019 (VCV001781019.2), dbSNP rs2521402738, ClinGen allele CA338317067.
Genomic context (GRCh38, chr1:10,297,007, plus strand): 5'-GAACAAGCACGAGCTGAGCGAGAGAAGACTCCTTCTGCTGAGACCCCCTCTGAGCCTGTG[G>C]ACTGGACATTTGCCCAGAGGGAGCTTCTGGAAAAACAAGGAATTGATATGAAACAAGAGA-3'
Protein context (NP_001352880.1, residues 648-668): PSAETPSEPV[Asp658His]WTFAQRELLE